The following is an entry in ClinVar:

ClinVar aggregate classification (germline): Likely pathogenic (1 of 4 stars; one submission).

Conditions:
X-linked agammaglobulinemia with growth hormone deficiency (IGHD3). Also called: AGAMMAGLOBULINEMIA AND ISOLATED GROWTH HORMONE DEFICIENCY, X-LINKED; FLEISHER SYNDROME; Isolated growth hormone deficiency type 3; Growth hormone deficiency with hypogammaglobulinemia; HYPOGAMMAGLOBULINEMIA AND ISOLATED GROWTH HORMONE DEFICIENCY, X-LINKED; IGHD III. Identifiers: Orphanet 231692, Orphanet 631, MedGen C0472813, MONDO:0010615, OMIM 307200.

Submission:

Labcorp Genetics (formerly Invitae), Labcorp
Classification: Likely pathogenic for X-linked agammaglobulinemia with growth hormone deficiency. Last evaluated: 2023-05-19. Review status: criteria provided, single submitter. Criteria: Invitae Variant Classification Sherloc (09022015). Collection method: clinical testing. Allele origin: germline.
Comment: This variant disrupts the p.Cys165 amino acid residue in BTK. Other variant(s) that disrupt this residue have been observed in individuals with BTK-related conditions (PMID: 15024743, 33815962), which suggests that this may be a clinically significant amino acid residue. This sequence change replaces cysteine, which is neutral and slightly polar, with tyrosine, which is neutral and polar, at codon 165 of the BTK protein (p.Cys165Tyr). This variant is not present in population databases (gnomAD no frequency). This missense change has been observed in individual(s) with agammaglobulinemia (PMID: 32117230). Advanced modeling of protein sequence and biophysical properties (such as structural, functional, and spatial information, amino acid conservation, physicochemical variation, residue mobility, and thermodynamic stability) performed at Invitae indicates that this missense variant is expected to disrupt BTK protein function. In summary, the currently available evidence indicates that the variant is pathogenic, but additional data are needed to prove that conclusively. Therefore, this variant has been classified as Likely Pathogenic.

Literature cited by the submitters: PubMed 15024743; PubMed 33815962; PubMed 32117230.

NM_000061.3(BTK):c.494G>A (p.Cys165Tyr)

Gene: BTK (Bruton tyrosine kinase; minus strand). Cytogenetic location: Xq22.1.
Variant type: single nucleotide variant.
Coding change: c.494G>A on transcript NM_000061.3 (MANE Select); coding-DNA position 494, G replaced by A.
Protein change: p.Cys165Tyr; replaces cysteine 165 with tyrosine.
Molecular consequence: missense variant.
Genome position (GRCh38, 1-based): chrX:101,362,587, C>T on the plus strand (G>A on the coding strand, the complement: BTK is on the minus strand). VCF-style: chrX-101362587-C-T. GRCh37 (hg19) VCF-style: chrX-100617575-C-T.
Other names: c.596G>A, p.Cys199Tyr (NM_001287344.2); c.494G>A, p.Cys165Tyr (NM_001287345.2); short protein forms C165Y, C199Y.
Identifiers: ClinVar variation 2737303 (VCV002737303.3), dbSNP rs2147435884, ClinGen allele CA413935069.